The following is an entry in ClinVar:

ClinVar aggregate classification (germline): Benign/Likely benign. Review status: criteria provided, multiple submitters, no conflicts (2 of 4 stars). 4 submissions from 4 submitters: Benign (1); Likely benign (3). Last evaluated 2025-02-01.

Conditions:
Amyotrophic lateral sclerosis type 6. Also called: Amyotrophic lateral sclerosis 6, with or without frontotemporal dementia; FUS-Related Amyotrophic Laterial Sclerosis; AMYOTROPHIC LATERAL SCLEROSIS 6 WITHOUT FRONTOTEMPORAL DEMENTIA. Identifiers: Orphanet 275872, Orphanet 803, MedGen C2931786, MONDO:0011951, OMIM 608030.
Tremor, hereditary essential, 4 (ETM4). Identifiers: MedGen C3539195, MONDO:0013888, OMIM 614782.
Inborn genetic diseases. Identifiers: MedGen C0950123, MeSH D030342.

Allele frequency attached by ClinVar (database versions not stated): TOPMed 0.00004; gnomAD 0.00005 and 0.00006; gnomAD exomes 0.00007 and 0.00011; ExAC 0.00012; ESP Exome Variant Server 0.00015.
gnomAD v4.1: 114 of 1,613,894 alleles (0.0071%); highest among the groups gnomAD compares: South Asian, 0.058%; no homozygotes.

Submissions (4):

CeGaT Center for Human Genetics Tuebingen
Classification: Likely benign. Last evaluated: 2025-02-01. Review status: criteria provided, single submitter. Criteria: CeGaT Center For Human Genetics Tuebingen Variant Classification Criteria Version 2. Collection method: clinical testing. Allele origin: germline. Affected: yes. Observed: 1 variant allele.
Comment: FUS: BP4, BP7

Labcorp Genetics (formerly Invitae), Labcorp
Classification: Likely benign for Tremor, hereditary essential, 4; Amyotrophic lateral sclerosis type 6. Last evaluated: 2022-11-07. Review status: criteria provided, single submitter. Criteria: Invitae Variant Classification Sherloc (09022015). Collection method: clinical testing. Allele origin: germline.

Ambry Genetics
Classification: Likely benign for Inborn genetic diseases. Last evaluated: 2019-07-11. Review status: criteria provided, single submitter. Criteria: Ambry Variant Classification Scheme 2023. Collection method: clinical testing. Allele origin: germline.

Athena Diagnostics
Classification: Benign. Last evaluated: 2017-06-01. Review status: criteria provided, single submitter. Criteria: Athena Diagnostics Criteria. Collection method: clinical testing. Allele origin: germline.

NM_004960.4(FUS):c.1248C>T (p.Gly416=)

Gene: FUS (FUS DNA/RNA binding protein; plus strand). Cytogenetic location: 16p11.2.
Variant type: single nucleotide variant.
Coding change: c.1248C>T on transcript NM_004960.4 (MANE Select); coding-DNA position 1248, C replaced by T.
Protein change: p.Gly416=; no amino-acid change (glycine 416 retained).
Molecular consequence: synonymous variant. On other transcripts: non-coding transcript variant (1).
Genome position (GRCh38, 1-based): chr16:31,190,354, C>T. VCF-style: chr16-31190354-C-T. GRCh37 (hg19) VCF-style: chr16-31201675-C-T.
Other names: c.1245C>T, p.Gly415= (NM_001170634.1); c.1236C>T, p.Gly412= (NM_001170937.1).
Identifiers: ClinVar variation 447354 (VCV000447354.26), dbSNP rs368780804, ClinGen allele CA8023984.
Genomic context (GRCh38, chr16:31,190,354, plus strand): 5'-CTATGGAGGTGGTGGCAGTGGTGGTGGTGGCCGAGGAGGATTTCCCAGTGGAGGTGGTGG[C>T]GGTGGAGGACAGCAGCGAGCTGGTGACTGGAAGTGTCCTAATCCGTGAGTGAAACTTAAT-3'
Protein context (NP_004951.1, residues 406-426): GRGGFPSGGG[Gly416=]GGGQQRAGDW